The following is an entry in ClinVar:

NM_213599.3(ANO5):c.346_347delinsTT (p.Glu116Leu)

Gene: ANO5 (anoctamin 5; plus strand). Cytogenetic location: 11p14.3.
Variant type: Indel.
Coding change: c.346_347delinsTT on transcript NM_213599.3 (MANE Select); coding-DNA positions 346 to 347, GA replaced by TT.
Protein change: p.Glu116Leu; replaces glutamic acid 116 with leucine.
Molecular consequence: missense variant.
Genome position (GRCh38, 1-based): chr11:22,226,035-22,226,036, GA replaced by TT. VCF-style: chr11-22226035-GA-TT. GRCh37 (hg19) VCF-style: chr11-22247581-GA-TT.
Other names: c.343_344delinsTT, p.Glu115Leu (NM_001142649.2); c.304_305delinsTT, p.Glu102Leu (NM_001410963.1); c.301_302delinsTT, p.Glu101Leu (NM_001410964.1); short protein forms E102L, E101L, E115L, E116L.
Identifiers: ClinVar variation 2941882 (VCV002941882.3), dbSNP rs2494141880, ClinGen allele CA2740093671.
Genomic context (GRCh38, chr11:22,226,035, plus strand): 5'-TTGTCATAGGAAAGAAGAAAAGAGTTTGAAACTAATCTCAGAAAAACAGGTCTTGAGTTG[GA>TT]AATAGAAGACAAAAGGGTAAATGTAGTTGATAATTTATACAAGCCTCTTTAATTTAAGTG-3'
Protein context (NP_998764.1, residues 106-126): TNLRKTGLEL[Glu116Leu]IEDKRDSEDG

ClinVar aggregate classification (germline): Uncertain significance (1 of 4 stars; one submission).

Conditions:
Gnathodiaphyseal dysplasia (GDD). Also called: GNATHODIAPHYSEAL SCLEROSIS; OSTEOGENESIS IMPERFECTA WITH UNUSUAL SKELETAL LESIONS. Identifiers: Orphanet 53697, MedGen C1833736, MONDO:0008151, OMIM 166260.
Autosomal recessive limb-girdle muscular dystrophy type 2L (LGMDR12). Also called: Limb-girdle muscular dystrophy, type 2L; MUSCULAR DYSTROPHY, LIMB-GIRDLE, AUTOSOMAL RECESSIVE 12; Limb-Girdle Muscular Dystrophy R12 Anoctamin-5-Related (LGMD-R12). Identifiers: Orphanet 206549, MedGen C1969785, MONDO:0012652, OMIM 611307.

Submission:

Labcorp Genetics (formerly Invitae), Labcorp
Classification: Uncertain significance for Autosomal recessive limb-girdle muscular dystrophy type 2L; Gnathodiaphyseal dysplasia. Last evaluated: 2022-11-28. Review status: criteria provided, single submitter. Criteria: Invitae Variant Classification Sherloc (09022015). Collection method: clinical testing. Allele origin: germline.
Comment: This sequence change replaces glutamic acid, which is acidic and polar, with leucine, which is neutral and non-polar, at codon 116 of the ANO5 protein (p.Glu116Leu). Information on the frequency of this variant in the gnomAD database is not available, as this variant may be reported differently in the database. This variant has not been reported in the literature in individuals affected with ANO5-related conditions. Algorithms developed to predict the effect of missense changes on protein structure and function are either unavailable or do not agree on the potential impact of this missense change (SIFT: "Not Available"; PolyPhen-2: "Probably Damaging"; Align-GVGD: "Not Available"). In summary, the available evidence is currently insufficient to determine the role of this variant in disease. Therefore, it has been classified as a Variant of Uncertain Significance.